The following is an entry in ClinVar:

ClinVar aggregate classification (germline): Likely benign. Review status: criteria provided, multiple submitters, no conflicts (2 of 4 stars). 3 submissions from 3 submitters: Likely benign (2). 1 of the submissions does not count toward it. Last evaluated 2025-12-03.

Conditions:
STAT2-related disorder. Also called: STAT2-related condition.
Primary immunodeficiency with post-measles-mumps-rubella vaccine viral infection. Also called: Immunodeficiency 44. Identifiers: Orphanet 431166, MedGen C4225260, MONDO:0014715, OMIM 616636.

Allele frequency attached by ClinVar (database versions not stated): ExAC 0.00002; gnomAD exomes 0.00003 and 0.00004; gnomAD 0.00005; TOPMed 0.00005.
gnomAD v4.1: 64 of 1,614,000 alleles (0.004%); highest among the groups gnomAD compares: Middle Eastern, 0.083%; no homozygotes.

Submissions (3):

Labcorp Genetics (formerly Invitae), Labcorp
Classification: Likely benign for Primary immunodeficiency with post-measles-mumps-rubella vaccine viral infection. Last evaluated: 2025-12-03. Review status: criteria provided, single submitter. Criteria: Invitae Variant Classification Sherloc (09022015). Collection method: clinical testing. Allele origin: germline.

Blueprint Genetics
Classification: Likely benign. Last evaluated: 2024-11-25. Review status: criteria provided, single submitter. Criteria: ACMG Guidelines, 2015. Collection method: clinical testing. Allele origin: germline.

PreventionGenetics, part of Exact Sciences
Classification: Likely benign for STAT2-related condition. Last evaluated: 2020-02-19. Review status: no assertion criteria provided. Collection method: clinical testing. Allele origin: germline. Not counted in ClinVar's aggregate classification.
Comment: This variant is classified as likely benign based on ACMG/AMP sequence variant interpretation guidelines (Richards et al. 2015 PMID: 25741868, with internal and published modifications).

NM_005419.4(STAT2):c.2044+10G>A

Gene: STAT2 (signal transducer and activator of transcription 2; minus strand). Cytogenetic location: 12q13.3.
Variant type: single nucleotide variant.
Coding change: c.2044+10G>A on transcript NM_005419.4 (MANE Select); 10 bases into the intron after coding-DNA position 2044, G replaced by A.
Molecular consequence: intron variant.
Genome position (GRCh38, 1-based): chr12:56,346,432, C>T on the plus strand (G>A on the coding strand, the complement: STAT2 is on the minus strand). VCF-style: chr12-56346432-C-T. GRCh37 (hg19) VCF-style: chr12-56740216-C-T.
Other names: c.2032+10G>A (NM_198332.2); c.2044+10G>A (LRG_1329t1).
Identifiers: ClinVar variation 542351 (VCV000542351.13), dbSNP rs752483816, ClinGen allele CA6630340.